The following is an entry in ClinVar:

ClinVar aggregate classification (germline): Uncertain significance. Review status: criteria provided, multiple submitters, no conflicts (2 of 4 stars). 2 submissions from 2 submitters: Uncertain significance (2). Last evaluated 2024-10-09.

Conditions:
Developmental delay with autism spectrum disorder and gait instability (MRT38). Also called: Intellectual developmental disorder, autosomal recessive 38. Identifiers: Orphanet 329195, MedGen C3809753, MONDO:0014224, OMIM 615516.

Allele frequency attached by ClinVar (database versions not stated): gnomAD 0.00002 and 0.00003; gnomAD exomes 0.00002 and 0.00003; ExAC 0.00003; TOPMed 0.00004.
gnomAD v4.1: 44 of 1,610,646 alleles (0.0027%); highest among the groups gnomAD compares: Admixed American, 0.0033%; no homozygotes.

Submissions (2):

Victorian Clinical Genetics Services, Murdoch Childrens Research Institute
Classification: Uncertain significance for Developmental delay with autism spectrum disorder and gait instability. Last evaluated: 2024-10-09. Review status: criteria provided, single submitter. Criteria: ACMG Guidelines, 2015. Collection method: clinical testing. Allele origin: germline. Inheritance: Autosomal recessive inheritance. Affected: yes.
Comment: Based on the classification scheme VCGS_Germline_v1.3.4, this variant is classified as VUS-3B. Following criteria are met: 0102 - Loss of function is a known mechanism of disease in this gene and is associated with autosomal recessive intellectual developmental disorder 38 (MIM#615516). (I) 0106 - This gene is associated with autosomal recessive disease. (I) 0200 - Variant is predicted to result in a missense amino acid change from leucine to serine. (I) 0251 - This variant is heterozygous. (I) 0304 - Variant is present in gnomAD (v2) <0.01 for a recessive condition (5 heterozygotes, 0 homozygotes). (SP) 0501 - Missense variant consistently predicted to be damaging by multiple in silico tools or highly conserved with a major amino acid change. (SP) 0604 - Variant is not located in an established domain, motif, hotspot or informative constraint region. (I) 0705 - No comparable missense variants have previous evidence for pathogenicity. (I) 0809 - Previous evidence of pathogenicity for this variant is inconclusive. This variant has been classified as a VUS by a clinical laboratory in ClinVar, and was observed as a single hit in an individual who also had several other variants in other genes (PMID: 32169557). (I) 0905 - No published segregation evidence has been identified for this variant. (I) 1007 - No published functional evidence has been identified for this variant. (I) 1208 - Inheritance information for this variant is not currently available in this individual. (I) Legend: (SP) - Supporting pathogenic, (I) - Information, (SB) - Supporting benign

Baylor Genetics
Classification: Uncertain significance for Developmental delay with autism spectrum disorder and gait instability. Last evaluated: 2019-06-07. Review status: criteria provided, single submitter. Criteria: ACMG Guidelines, 2015. Collection method: clinical testing. Allele origin: unknown. Affected: yes.
Comment: This variant was determined to be of uncertain significance according to ACMG Guidelines, 2015 [PMID:25741868].

Literature cited by the submitters: PubMed 32169557 (cited by Victorian Clinical Genetics Services, Murdoch Childrens Research Institute).

NM_004667.6(HERC2):c.4370T>C (p.Leu1457Ser)

Gene: HERC2 (HECT and RLD domain containing E3 ubiquitin protein ligase 2; minus strand). Cytogenetic location: 15q13.1.
Variant type: single nucleotide variant.
Coding change: c.4370T>C on transcript NM_004667.6 (MANE Select); coding-DNA position 4370, T replaced by C.
Protein change: p.Leu1457Ser; replaces leucine 1457 with serine.
Molecular consequence: missense variant.
Genome position (GRCh38, 1-based): chr15:28,233,543, A>G on the plus strand (T>C on the coding strand, the complement: HERC2 is on the minus strand). VCF-style: chr15-28233543-A-G. GRCh37 (hg19) VCF-style: chr15-28478689-A-G.
Other names: short protein forms L1457S.
Identifiers: ClinVar variation 1029881 (VCV001029881.2), dbSNP rs774619391, ClinGen allele CA7442662.